The following is an entry in ClinVar:

NM_001083962.2(TCF4):c.1486+1G>A

Gene: TCF4 (transcription factor 4; minus strand). Cytogenetic location: 18q21.2.
Variant type: single nucleotide variant.
Coding change: c.1486+1G>A on transcript NM_001083962.2 (MANE Select); the canonical splice donor site of the intron after coding-DNA position 1486, G replaced by A.
Molecular consequence: splice donor variant.
Genome position (GRCh38, 1-based): chr18:55,234,547, C>T on the plus strand (G>A on the coding strand, the complement: TCF4 is on the minus strand). VCF-style: chr18-55234547-C-T. GRCh37 (hg19) VCF-style: chr18-52901778-C-T.
Other names: c.1792+1G>A (NM_001243226.3); c.1411+1G>A (NM_001369584.1, NM_001369576.1, NM_001369577.1 and 6 more transcripts); c.1414+1G>A (NM_001369582.1, NM_001243227.2, NM_001369583.1 and 5 more transcripts); c.1417+1G>A (NM_001369586.1); c.1486+1G>A (NM_001369571.1, NM_001369567.1, NM_001369572.1 and 2 more transcripts); c.1504+1G>A (NM_001243228.2); c.1477+1G>A (NM_001243230.2); c.1483+1G>A (NM_001369569.1, NM_001369573.1, NM_001369570.1 and 2 more transcripts); and 6 more.
Identifiers: ClinVar variation 3901503 (VCV003901503.1).

ClinVar aggregate classification (germline): Pathogenic (1 of 4 stars; one submission).

Submission:

GeneDx
Classification: Pathogenic. Last evaluated: 2024-12-07. Review status: criteria provided, single submitter. Criteria: GeneDx Variant Classification Process June 2021. Collection method: clinical testing. Allele origin: germline. Affected: yes.
Comment: Canonical splice site variant predicted to result in a null allele in a gene for which loss of function is a known mechanism of disease; Not observed at significant frequency in large population cohorts (gnomAD); Has not been previously published as pathogenic or benign to our knowledge